The following is an entry in ClinVar:

NM_000038.6(APC):c.4501T>C (p.Ser1501Pro)

Gene: APC (APC regulator of Wnt signaling pathway; plus strand). Cytogenetic location: 5q22.2.
Variant type: single nucleotide variant.
Coding change: c.4501T>C on transcript NM_000038.6 (MANE Select); coding-DNA position 4501, T replaced by C.
Protein change: p.Ser1501Pro; replaces serine 1501 with proline.
Molecular consequence: missense variant.
Genome position (GRCh38, 1-based): chr5:112,840,095, T>C. VCF-style: chr5-112840095-T-C. GRCh37 (hg19) VCF-style: chr5-112175792-T-C.
Other names: c.4501T>C, p.Ser1501Pro (NM_001127510.3, NM_001354895.2); c.4447T>C, p.Ser1483Pro (NM_001127511.3); c.4555T>C, p.Ser1519Pro (NM_001354896.2); c.4531T>C, p.Ser1511Pro (NM_001354897.2); c.4426T>C, p.Ser1476Pro (NM_001354898.2); c.4417T>C, p.Ser1473Pro (NM_001354899.2); c.4378T>C, p.Ser1460Pro (NM_001354900.2); c.4324T>C, p.Ser1442Pro (NM_001354901.2); and 5 more; short protein forms S1218P, S1400P, S1460P, S1473P, S1483P, S1501P, S1410P, S1442P.
Identifiers: ClinVar variation 1492866 (VCV001492866.8), dbSNP rs2149916210, ClinGen allele CA16031181.

ClinVar aggregate classification (germline): Uncertain significance (1 of 4 stars; one submission).

Conditions:
Familial adenomatous polyposis 1 (FAP1). Also called: FAMILIAL ADENOMATOUS POLYPOSIS 1, ATTENUATED; POLYPOSIS, ADENOMATOUS INTESTINAL. Identifiers: MedGen C2713442, MONDO:0021056, OMIM 175100. Disease mechanism: loss of function.

gnomAD v4.1: 1 of 1,614,184 alleles (0.000062%); highest among the groups gnomAD compares: Non-Finnish European, 0.000085%; no homozygotes.

Submission:

Labcorp Genetics (formerly Invitae), Labcorp
Classification: Uncertain significance for Familial adenomatous polyposis 1. Last evaluated: 2020-12-10. Review status: criteria provided, single submitter. Criteria: Invitae Variant Classification Sherloc (09022015). Collection method: clinical testing. Allele origin: germline.
Comment: In summary, the available evidence is currently insufficient to determine the role of this variant in disease. Therefore, it has been classified as a Variant of Uncertain Significance. Algorithms developed to predict the effect of missense changes on protein structure and function are either unavailable or do not agree on the potential impact of this missense change (SIFT: "Deleterious"; PolyPhen-2: "Probably Damaging"; Align-GVGD: "Class C15"). This sequence change replaces serine with proline at codon 1501 of the APC protein (p.Ser1501Pro). The serine residue is highly conserved and there is a moderate physicochemical difference between serine and proline. This variant is not present in population databases (ExAC no frequency). This variant has not been reported in the literature in individuals with APC-related conditions.